The following is an entry in ClinVar:

ClinVar aggregate classification (germline): Uncertain significance. Review status: criteria provided, multiple submitters, no conflicts (2 of 4 stars). 2 submissions from 2 submitters: Uncertain significance (2). Last evaluated 2025-07-27.

Conditions:
Primary dilated cardiomyopathy (DCM). Also called: Dilated Cardiomyopathy. Identifiers: Orphanet 217604, MedGen C0007193, MeSH D002311, MONDO:0005021, HP:0001644. Inheritance: Various modes of inheritance.
Cardiovascular phenotype. Identifiers: MedGen CN230736.

Allele frequency attached by ClinVar (database versions not stated): gnomAD 0.00001; TOPMed 0.00001; gnomAD exomes below 0.00001.
gnomAD v4.1: 4 of 1,607,256 alleles (0.00025%); highest among the groups gnomAD compares: African/African-American, 0.0014%; no homozygotes.

Submissions (2):

Labcorp Genetics (formerly Invitae), Labcorp
Classification: Uncertain significance for Primary dilated cardiomyopathy. Last evaluated: 2025-07-27. Review status: criteria provided, single submitter. Criteria: Invitae Variant Classification Sherloc (09022015). Collection method: clinical testing. Allele origin: germline.
Comment: This sequence change affects an acceptor splice site in intron 12 of the TXNRD2 gene. It is expected to disrupt RNA splicing. Variants that disrupt the donor or acceptor splice site typically lead to a loss of protein function (PMID: 16199547), however the current clinical and genetic evidence is not sufficient to establish whether loss-of-function variants in TXNRD2 cause disease. This variant is present in population databases (no rsID available, gnomAD 0.007%). This variant has not been reported in the literature in individuals affected with TXNRD2-related conditions. ClinVar contains an entry for this variant (Variation ID: 1006587). Algorithms developed to predict the effect of sequence changes on RNA splicing suggest that this variant may disrupt the consensus splice site. In summary, the available evidence is currently insufficient to determine the role of this variant in disease. Therefore, it has been classified as a Variant of Uncertain Significance.

Ambry Genetics
Classification: Uncertain significance for Cardiovascular phenotype. Last evaluated: 2020-09-09. Review status: criteria provided, single submitter. Criteria: Ambry Variant Classification Scheme 2023. Collection method: clinical testing. Allele origin: germline.
Comment: The c.1087-2A>G intronic variant results from an A to G substitution two nucleotides upstream from coding exon 13 in the TXNRD2 gene. This nucleotide position is highly conserved in available vertebrate species. In silico splice site analysis predicts that this alteration will weaken the native splice acceptor site and will result in the creation or strengthening of a novel splice acceptor site. Alterations that disrupt the canonical splice site are expected to cause aberrant splicing, resulting in an abnormal protein or a transcript that is subject to nonsense-mediated mRNA decay. However, loss of function of TXNRD2 has not been clearly established as a mechanism of disease. Since supporting evidence is limited at this time, the clinical significance of this alteration remains unclear.

Literature cited by the submitters: PubMed 16199547 (cited by Labcorp Genetics (formerly Invitae), Labcorp).

NM_006440.5(TXNRD2):c.1087-2A>G

Gene: TXNRD2 (thioredoxin reductase 2; minus strand). Cytogenetic location: 22q11.21.
Variant type: single nucleotide variant.
Coding change: c.1087-2A>G on transcript NM_006440.5 (MANE Select); the canonical splice acceptor site of the intron before coding-DNA position 1087, A replaced by G.
Molecular consequence: splice acceptor variant.
Genome position (GRCh38, 1-based): chr22:19,880,719, T>C on the plus strand (A>G on the coding strand, the complement: TXNRD2 is on the minus strand). VCF-style: chr22-19880719-T-C. GRCh37 (hg19) VCF-style: chr22-19868242-T-C.
Other names: c.1084-2A>G (NM_001352300.2); c.799-2A>G (NM_001352302.2); c.997-2A>G (NM_001352301.2).
Identifiers: ClinVar variation 1006587 (VCV001006587.9), dbSNP rs1289412583, ClinGen allele CA410682100.